The following is an entry in ClinVar:

ClinVar aggregate classification (germline): Uncertain significance. Review status: criteria provided, multiple submitters, no conflicts (2 of 4 stars). 3 submissions from 3 submitters: Uncertain significance (3). Last evaluated 2024-05-13.

Conditions:
Microangiopathy and leukoencephalopathy, pontine, autosomal dominant. Also called: DEMENTIA, HEREDITARY MULTI-INFARCT, SWEDISH TYPE; Pontine autosomal dominant microangiopathy with leukoencephalopathy. Identifiers: Orphanet 477749, MedGen C5231411, MONDO:0032814, OMIM 618564.
Retinal arterial tortuosity. Also called: Retinal arteries, tortuosity of; RETINAL HEMORRHAGE WITH VASCULAR TORTUOSITY. Identifiers: Orphanet 75326, MedGen C0423401, MONDO:0008373, OMIM 180000, HP:0000631.
Brain small vessel disease 1 with or without ocular anomalies (BSVD1). Also called: PORENCEPHALY, TYPE 1, AUTOSOMAL DOMINANT; BRAIN SMALL VESSEL DISEASE WITH HEMORRHAGE; GOULD SYNDROME 1; Brain small vessel disease with or without ocular anomalies. Identifiers: Orphanet 2940, Orphanet 36383, Orphanet 99810, MedGen C4755307, MONDO:0008289, OMIM 175780.
Hemorrhage, intracerebral, susceptibility to (ICH). Also called: Stroke, hemorrhagic, susceptibility to. Identifiers: MedGen C3281105, MONDO:0100533, OMIM 614519.
Autosomal dominant familial hematuria-retinal arteriolar tortuosity-contractures syndrome. Also called: Hereditary Angiopathy with Nephropathy, Aneurysms, and Muscle Cramps (HANAC) Syndrome; Angiopathy, hereditary, with nephropathy, aneurysms, and muscle cramps. Identifiers: Orphanet 73229, MedGen C2673195, MONDO:0012726, OMIM 611773.
Inborn genetic diseases. Identifiers: MedGen C0950123, MeSH D030342.

Allele frequency attached by ClinVar (database versions not stated): TOPMed below 0.00001.
gnomAD v4.1: 3 of 1,613,472 alleles (0.00019%); highest among the groups gnomAD compares: Non-Finnish European, 0.00025%; no homozygotes.

Submissions (3):

Fulgent Genetics
Classification: Uncertain significance for Brain small vessel disease 1 with or without ocular anomalies; Retinal arterial tortuosity; Autosomal dominant familial hematuria-retinal arteriolar tortuosity-contractures syndrome; Hemorrhage, intracerebral, susceptibility to; Microangiopathy and leukoencephalopathy, pontine, autosomal dominant. Last evaluated: 2024-05-13. Review status: criteria provided, single submitter. Criteria: ACMG Guidelines, 2015. Collection method: clinical testing. Allele origin: germline.

Ambry Genetics
Classification: Uncertain significance for Inborn genetic diseases. Last evaluated: 2024-03-25. Review status: criteria provided, single submitter. Criteria: Ambry Variant Classification Scheme 2023. Collection method: clinical testing. Allele origin: germline.

Labcorp Genetics (formerly Invitae), Labcorp
Classification: Uncertain significance. Last evaluated: 2023-08-29. Review status: criteria provided, single submitter. Criteria: Invitae Variant Classification Sherloc (09022015). Collection method: clinical testing. Allele origin: germline.
Comment: An algorithm developed to predict the effect of missense changes on protein structure and function (PolyPhen-2) suggests that this variant is likely to be disruptive. This variant has not been reported in the literature in individuals affected with COL4A1-related conditions. This variant is present in population databases (no rsID available, gnomAD 0.0009%). This sequence change replaces proline, which is neutral and non-polar, with histidine, which is basic and polar, at codon 704 of the COL4A1 protein (p.Pro704His). In summary, the available evidence is currently insufficient to determine the role of this variant in disease. Therefore, it has been classified as a Variant of Uncertain Significance.

NM_001845.6(COL4A1):c.2111C>A (p.Pro704His)

Gene: COL4A1 (collagen type IV alpha 1 chain; minus strand). Cytogenetic location: 13q34.
Variant type: single nucleotide variant.
Coding change: c.2111C>A on transcript NM_001845.6 (MANE Select); coding-DNA position 2111, C replaced by A.
Protein change: p.Pro704His; replaces proline 704 with histidine.
Molecular consequence: missense variant.
Genome position (GRCh38, 1-based): chr13:110,181,374, G>T on the plus strand (C>A on the coding strand, the complement: COL4A1 is on the minus strand). VCF-style: chr13-110181374-G-T. GRCh37 (hg19) VCF-style: chr13-110833721-G-T.
Other names: c.2111C>A (NM_001845.4); short protein forms P704H.
Identifiers: ClinVar variation 2892673 (VCV002892673.5), dbSNP rs1428497686, ClinGen allele CA388668997.